The following is an entry in ClinVar:

ClinVar aggregate classification (germline): Conflicting classifications of pathogenicity. Review status: criteria provided, conflicting classifications (1 of 4 stars). 6 submissions from 5 submitters: Uncertain significance (2); Benign (1); Likely benign (3). Last evaluated 2025-04-10.

Conditions:
Hereditary cancer-predisposing syndrome. Also called: Tumor predisposition; Hereditary neoplastic syndrome; Hereditary Cancer Syndrome; Neoplastic Syndromes, Hereditary. Identifiers: Orphanet 140162, MedGen C0027672, MeSH D009386, MONDO:0015356.
Tuberous sclerosis 1 (TSC1). Identifiers: Orphanet 805, MedGen C1854465, MONDO:0008612, OMIM 191100.
Isolated focal cortical dysplasia type II (FCORD2). Also called: CORTICAL DYSPLASIA OF TAYLOR; Focal cortical dysplasia type II. Identifiers: Orphanet 268994, MedGen C1846385, MONDO:0011818, OMIM 607341, HP:0032051.

Allele frequency attached by ClinVar (database versions not stated): gnomAD exomes below 0.00001 and 0.00001.
gnomAD v4.1: 8 of 1,613,766 alleles (0.0005%); highest among the groups gnomAD compares: Non-Finnish European, 0.00059%; no homozygotes.

Submissions (6):

Myriad Genetics, Inc.
Classification: Benign for Tuberous sclerosis 1. Last evaluated: 2025-04-10. Review status: criteria provided, single submitter. Criteria: Myriad Autosomal Dominant, Autosomal Recessive and X-Linked Classification Criteria (2023). Collection method: clinical testing. Allele origin: unknown.
Comment: This variant is considered benign. This variant is a silent/synonymous amino acid change and it is not expected to impact splicing.

Labcorp Genetics (formerly Invitae), Labcorp
Classification: Likely benign for Tuberous sclerosis 1. Last evaluated: 2024-12-10. Review status: criteria provided, single submitter. Criteria: Invitae Variant Classification Sherloc (09022015). Collection method: clinical testing. Allele origin: germline.

Genome-Nilou Lab
Classification: Likely benign for Tuberous sclerosis 1. Last evaluated: 2021-11-07. Review status: criteria provided, single submitter. Criteria: ACMG Guidelines, 2015. Collection method: clinical testing. Allele origin: germline. Affected: no.

Ambry Genetics
Classification: Likely benign for Hereditary cancer-predisposing syndrome. Last evaluated: 2021-08-16. Review status: criteria provided, single submitter. Criteria: Ambry Variant Classification Scheme 2023. Collection method: clinical testing. Allele origin: germline.

Illumina Laboratory Services, Illumina
Classification: Uncertain significance for Isolated focal cortical dysplasia type II. Last evaluated: 2017-04-27. Review status: criteria provided, single submitter. Criteria: ICSL Variant Classification Criteria 13 December 2019. Collection method: clinical testing. Allele origin: germline.

Illumina Laboratory Services, Illumina
Classification: Uncertain significance for Tuberous sclerosis 1. Last evaluated: 2017-04-27. Review status: criteria provided, single submitter. Criteria: ICSL Variant Classification Criteria 13 December 2019. Collection method: clinical testing. Allele origin: germline.

NM_000368.5(TSC1):c.1734C>T (p.Thr578=)

Gene: TSC1 (TSC complex subunit 1; minus strand). Cytogenetic location: 9q34.13.
Variant type: single nucleotide variant.
Coding change: c.1734C>T on transcript NM_000368.5 (MANE Select); coding-DNA position 1734, C replaced by T.
Protein change: p.Thr578=; no amino-acid change (threonine 578 retained).
Molecular consequence: synonymous variant.
Genome position (GRCh38, 1-based): chr9:132,905,844, G>A on the plus strand (C>T on the coding strand, the complement: TSC1 is on the minus strand). VCF-style: chr9-132905844-G-A. GRCh37 (hg19) VCF-style: chr9-135781231-G-A.
Other names: c.1731C>T, p.Thr577= (NM_001162426.2); c.1581C>T, p.Thr527= (NM_001162427.2); c.1371C>T, p.Thr457= (NM_001362177.2).
Identifiers: ClinVar variation 700043 (VCV000700043.20), dbSNP rs1251871091, ClinGen allele CA467813415.